The following is an entry in ClinVar:

NM_003590.5(CUL3):c.115A>C (p.Asn39His)

Gene: CUL3 (cullin 3; minus strand). Cytogenetic location: 2q36.2.
Variant type: single nucleotide variant.
Coding change: c.115A>C on transcript NM_003590.5 (MANE Select); coding-DNA position 115, A replaced by C.
Protein change: p.Asn39His; replaces asparagine 39 with histidine.
Molecular consequence: missense variant. On other transcripts: intron variant (1).
Genome position (GRCh38, 1-based): chr2:224,557,808, T>G on the plus strand (A>C on the coding strand, the complement: CUL3 is on the minus strand). VCF-style: chr2-224557808-T-G. GRCh37 (hg19) VCF-style: chr2-225422525-T-G.
Other names: c.133A>C, p.Asn45His (NM_001257198.2); c.67-22167A>C (NM_001257197.2); short protein forms N45H, N39H.
Identifiers: ClinVar variation 2171741 (VCV002171741.4), dbSNP rs2469185181, ClinGen allele CA351130939.
Genomic context (GRCh38, chr2:224,557,808, plus strand): 5'-TATAGAGCTCCTCAAAACTAAGACCACTGTTATTCTTACGCTGGATTTCTTGAATTGCAT[T>G]TTTCAGAAGGTCCCAAATGCTGTTTACATATTTTTCATCCATGGTCATCTGTAATATCCA-3'
Protein context (NP_003581.1, residues 29-49): YVNSIWDLLK[Asn39His]AIQEIQRKNN

ClinVar aggregate classification (germline): Uncertain significance (1 of 4 stars; one submission).

Submission:

Labcorp Genetics (formerly Invitae), Labcorp
Classification: Uncertain significance. Last evaluated: 2022-07-25. Review status: criteria provided, single submitter. Criteria: Invitae Variant Classification Sherloc (09022015). Collection method: clinical testing. Allele origin: germline.
Comment: This variant has not been reported in the literature in individuals affected with CUL3-related conditions. Algorithms developed to predict the effect of missense changes on protein structure and function are either unavailable or do not agree on the potential impact of this missense change (SIFT: "Tolerated"; PolyPhen-2: "Probably Damaging"; Align-GVGD: "Class C0"). In summary, the available evidence is currently insufficient to determine the role of this variant in disease. Therefore, it has been classified as a Variant of Uncertain Significance. This variant is not present in population databases (gnomAD no frequency). This sequence change replaces asparagine, which is neutral and polar, with histidine, which is basic and polar, at codon 39 of the CUL3 protein (p.Asn39His).